The following is an entry in ClinVar:

NM_000550.3(TYRP1):c.1525G>T (p.Glu509Ter)

Genes: LURAP1L-AS1 (LURAP1L antisense RNA 1; minus strand), TYRP1 (tyrosinase related protein 1; plus strand). Cytogenetic location: 9p23.
Variant type: single nucleotide variant.
Coding change: c.1525G>T on transcript NM_000550.3 (MANE Select); coding-DNA position 1525, G replaced by T.
Protein change: p.Glu509Ter; replaces glutamic acid 509 with a stop codon.
Molecular consequence: nonsense.
Genome position (GRCh38, 1-based): chr9:12,709,093, G>T. VCF-style: chr9-12709093-G-T. GRCh37 (hg19) VCF-style: chr9-12709093-G-T.
Other names: short protein forms E509*.
Identifiers: ClinVar variation 4077126 (VCV004077126.1).
Genomic context (GRCh38, chr9:12,709,093, plus strand): 5'-CTGGTTGCACTCATTTTTGGGACTGCTTCTTATCTGATTCGTGCCAGACGCAGTATGGAT[G>T]AAGCTAACCAGCCTCTCCTCACTGATCAGTATCAATGCTATGCTGAAGAATATGAAAAAC-3'

ClinVar aggregate classification (germline): Pathogenic (1 of 4 stars; one submission).

Conditions:
Oculocutaneous albinism type 3 (OCA3). Also called: Albinism, oculocutaneous, type III; Rufous OCA; Rufous albinism; ALBINISM III; RUFOUS OCULOCUTANEOUS ALBINISM; XANTHISM. Identifiers: Orphanet 79433, MedGen C0342683, MONDO:0008747, OMIM 203290.
MELANESIAN BLOND HAIR (SHEP11). Also called: Skin/hair/eye pigmentation, variation in, 11; SKIN/HAIR/EYE PIGMENTATION 11, BLUE/NONBLUE EYES. Identifiers: MedGen C2677086, OMIM 612271.

Submission:

Laboratory of Genetic Epidemiology, Research Centre for Medical Genetics
Classification: Pathogenic for MELANESIAN BLOND HAIR; Oculocutaneous albinism type 3. Last evaluated: 2025-01-01. Review status: criteria provided, single submitter. Criteria: ACMG Guidelines, 2015. Collection method: clinical testing. Allele origin: unknown. Inheritance: Autosomal recessive inheritance. Affected: yes. Observed: 1 heterozygote.
Comment: This variant has been not previously reported in the literature and is not listed in gnomAD v3.1.2. This variant has not been previously reported in the literature and is not listed in gnomAD v2.1.1.NM_000550.3:c.1262-1G>C, p.? . Taken together, the variant meets the following ACMG/AMP criteria and can be classified as pathogenic with PM2, PVS1, PM3, PP4 criteria.

Literature cited by the submitters: PubMed 41428507.